The following is an entry in ClinVar:

NM_182914.3(SYNE2):c.15869_15877del (p.Asn5290_Met5292del)

Gene: SYNE2 (spectrin repeat containing nuclear envelope protein 2; plus strand). Cytogenetic location: 14q23.2.
Variant type: Deletion.
Coding change: c.15869_15877del on transcript NM_182914.3 (MANE Select); coding-DNA positions 15869 to 15877, 9 bases deleted (ATATGATGA; older notation c.15869_15877delATATGATGA).
Protein change: p.Asn5290_Met5292del.
Molecular consequence: inframe deletion.
Genome position (GRCh38, 1-based): chr14:64,158,701-64,158,709, ATATGATGA deleted; deleting any 9 consecutive bases within chr14:64,158,698-64,158,709 gives the same sequence; the c. name uses the placement nearest the transcript's 3' end. VCF-style (leftmost placement, unchanged base first): chr14-64158697-GTGAATATGA-G. GRCh37 (hg19) VCF-style: chr14-64625415-GTGAATATGA-G.
Other names: c.15869_15877del, p.Asn5290_Met5292del (NM_015180.6).
Identifiers: ClinVar variation 948265 (VCV000948265.9), dbSNP rs2098305444, ClinGen allele CA1139663504.
Genomic context (GRCh38, chr14:64,158,697, plus strand): 5'-AAAACCTCCATGCAGTCAGTTTTACAGGAGTGGAAGATTTATGATCAACTCTATGATGAA[GTGAATATGA>G]TGACAATCCGATTCTGGTACTGCATGGAACACAGCAAGCCTGTGGTGTTATCATTGGAGA-3'

ClinVar aggregate classification (germline): Uncertain significance (1 of 4 stars; one submission).

Conditions:
Emery-Dreifuss muscular dystrophy 5, autosomal dominant (EDMD5). Also called: EMERY-DREIFUSS MUSCULAR DYSTROPHY 5. Identifiers: Orphanet 261, MedGen C2751805, MONDO:0013072, OMIM 612999.

Submission:

Labcorp Genetics (formerly Invitae), Labcorp
Classification: Uncertain significance for Emery-Dreifuss muscular dystrophy 5, autosomal dominant. Last evaluated: 2019-07-09. Review status: criteria provided, single submitter. Criteria: Invitae Variant Classification Sherloc (09022015). Collection method: clinical testing. Allele origin: germline.
Comment: This variant, c.15869_15877del, results in the deletion of 3 amino acid(s) of the SYNE2 protein (p.Asn5290_Met5292del), but otherwise preserves the integrity of the reading frame. This variant is not present in population databases (ExAC no frequency). This variant has not been reported in the literature in individuals with SYNE2-related conditions. Experimental studies and prediction algorithms are not available or were not evaluated for this variant, and the functional significance of the affected amino acid(s) is currently unknown. In summary, the available evidence is currently insufficient to determine the role of this variant in disease. Therefore, it has been classified as a Variant of Uncertain Significance.